The following is an entry in ClinVar:

ClinVar aggregate classification (germline): Pathogenic. Review status: criteria provided, multiple submitters, no conflicts (2 of 4 stars). 6 submissions from 6 submitters: Pathogenic (6). Last evaluated 2025-10-07.

Conditions:
3-methylcrotonyl-CoA carboxylase 1 deficiency (MCC1D). Also called: MCC 1 deficiency; 3 Alpha methylcrotonylglycinuria 1; MCCD TYPE 1; METHYLCROTONYLGLYCINURIA TYPE I. Identifiers: Orphanet 6, MedGen CN028786, MONDO:0008861, OMIM 210200.

Allele frequency attached by ClinVar (database versions not stated): TOPMed 0.00002; gnomAD exomes below 0.00001 and 0.00001; gnomAD 0.00001.
gnomAD v4.1: 12 of 1,613,996 alleles (0.00074%); highest among the groups gnomAD compares: East Asian, 0.013%; no homozygotes.

Submissions (6):

Natera, Inc.
Classification: Pathogenic for 3-methylcrotonyl-CoA carboxylase 1 deficiency. Last evaluated: 2025-10-07. Review status: criteria provided, single submitter. Criteria: Natera Variant Classification Schema (03/2026). Collection method: clinical testing. Allele origin: germline.
Comment: The c.1225C>T variant in MCCC1 is a nonsense variant predicted to introduce a stop codon at amino acid 409. This variant is expected to result in nonsense mediated decay, truncation, or a dysfunctional protein product. This variant is rare in the general population with a frequency below the threshold expected for the associated phenotype(s). This variant has been observed in one or more individuals affected with the associated recessive disease, as either homozygous or compound heterozygous with a second variant (PMID: 16835865). Given the available evidence, this variant is classified as Pathogenic.

Labcorp Genetics (formerly Invitae), Labcorp
Classification: Pathogenic for 3-methylcrotonyl-CoA carboxylase 1 deficiency. Last evaluated: 2025-09-21. Review status: criteria provided, single submitter. Criteria: Invitae Variant Classification Sherloc (09022015). Collection method: clinical testing. Allele origin: germline.
Comment: This sequence change creates a premature translational stop signal (p.Arg409*) in the MCCC1 gene. It is expected to result in an absent or disrupted protein product. Loss-of-function variants in MCCC1 are known to be pathogenic (PMID: 11181649, 15359379, 22642865). This variant is present in population databases (no rsID available, gnomAD 0.006%). This premature translational stop signal has been observed in individual(s) with 3-Methylcrotonyl-CoA carboxylase deficiency (PMID: 16835865). ClinVar contains an entry for this variant (Variation ID: 488805). For these reasons, this variant has been classified as Pathogenic.

Fulgent Genetics
Classification: Pathogenic for 3-methylcrotonyl-CoA carboxylase 1 deficiency. Last evaluated: 2024-04-30. Review status: criteria provided, single submitter. Criteria: ACMG Guidelines, 2015. Collection method: clinical testing. Allele origin: germline.

Baylor Genetics
Classification: Pathogenic for 3-methylcrotonyl-CoA carboxylase 1 deficiency. Last evaluated: 2024-03-23. Review status: criteria provided, single submitter. Criteria: ACMG Guidelines, 2015. Collection method: clinical testing. Allele origin: unknown.

3billion
Classification: Pathogenic for 3-methylcrotonyl-CoA carboxylase 1 deficiency. Last evaluated: 2023-06-09. Review status: criteria provided, single submitter. Criteria: ACMG Guidelines, 2015. Collection method: clinical testing. Allele origin: germline. Affected: yes.
Comment: The variant is observed at an extremely low frequency in the gnomAD v2.1.1 dataset (total allele frequency: <0.001%). Predicted Consequence/Location: Stop-gained (nonsense): predicted to result in a loss or disruption of normal protein function through nonsense-mediated decay (NMD) or protein truncation. Multiple pathogenic variants are reported downstream of the variant. The variant has been reported at least twice as pathogenic without evidence for the classification (ClinVar ID: VCV000488805 /PMID: 16835865). Therefore, this variant is classified as Pathogenic according to the recommendation of ACMG/AMP guideline.

GeneDx
Classification: Pathogenic. Last evaluated: 2017-09-05. Review status: criteria provided, single submitter. Criteria: GeneDx Variant Classification (06012015). Collection method: clinical testing. Allele origin: germline. Affected: yes.
Comment: The R409X nonsense variant in the MCCC1 gene has been reported previously in association with 3-methylcrotonyl-CoA carboxylase (3-MCC) deficiency (Stadler et al., 2006). This variant is predicted to cause loss of normal protein function either through protein truncation or nonsense-mediated mRNA decay. The R409X variant is not observed in large population cohorts (Lek et al., 2016; 1000 Genomes Consortium et al., 2015; Exome Variant Server). In summary, we interpret R409X to be a pathogenic variant.

Literature cited by the submitters: PubMed 16835865 (cited by 3 submitters); PubMed 11181649 (cited by Labcorp Genetics (formerly Invitae), Labcorp); PubMed 15359379 (cited by Labcorp Genetics (formerly Invitae), Labcorp); PubMed 22642865 (cited by Labcorp Genetics (formerly Invitae), Labcorp).

NM_020166.5(MCCC1):c.1225C>T (p.Arg409Ter)

Gene: MCCC1 (methylcrotonyl-CoA carboxylase subunit 1; minus strand). Cytogenetic location: 3q27.1.
Variant type: single nucleotide variant.
Coding change: c.1225C>T on transcript NM_020166.5 (MANE Select); coding-DNA position 1225, C replaced by T.
Protein change: p.Arg409Ter; replaces arginine 409 with a stop codon.
Molecular consequence: nonsense. On other transcripts: non-coding transcript variant (2).
Genome position (GRCh38, 1-based): chr3:183,041,609, G>A on the plus strand (C>T on the coding strand, the complement: MCCC1 is on the minus strand). VCF-style: chr3-183041609-G-A. GRCh37 (hg19) VCF-style: chr3-182759397-G-A.
Other names: c.874C>T, p.Arg292Ter (NM_001293273.2); c.898C>T, p.Arg300Ter (NM_001363880.1); short protein forms R409*, R292*, R300*.
Identifiers: ClinVar variation 488805 (VCV000488805.16), dbSNP rs1484347924, ClinGen allele CA355322475.